The following is an entry in ClinVar:

ClinVar aggregate classification (germline): Uncertain significance (1 of 4 stars; one submission).

Submission:

Labcorp Genetics (formerly Invitae), Labcorp
Classification: Uncertain significance. Last evaluated: 2024-11-05. Review status: criteria provided, single submitter. Criteria: Invitae Variant Classification Sherloc (09022015). Collection method: clinical testing. Allele origin: germline.
Comment: This sequence change replaces methionine, which is neutral and non-polar, with arginine, which is basic and polar, at codon 544 of the PCARE protein (p.Met544Arg). This variant is not present in population databases (gnomAD no frequency). This variant has not been reported in the literature in individuals affected with PCARE-related conditions. ClinVar contains an entry for this variant (Variation ID: 2021963). An algorithm developed to predict the effect of missense changes on protein structure and function (PolyPhen-2) suggests that this variant is likely to be disruptive. In summary, the available evidence is currently insufficient to determine the role of this variant in disease. Therefore, it has been classified as a Variant of Uncertain Significance.

NM_001029883.3(PCARE):c.1631T>G (p.Met544Arg)

Gene: PCARE (photoreceptor cilium actin regulator; minus strand). Cytogenetic location: 2p23.2.
Variant type: single nucleotide variant.
Coding change: c.1631T>G on transcript NM_001029883.3 (MANE Select); coding-DNA position 1631, T replaced by G.
Protein change: p.Met544Arg; replaces methionine 544 with arginine.
Molecular consequence: missense variant.
Genome position (GRCh38, 1-based): chr2:29,072,631, A>C on the plus strand (T>G on the coding strand, the complement: PCARE is on the minus strand). VCF-style: chr2-29072631-A-C. GRCh37 (hg19) VCF-style: chr2-29295497-A-C.
Other names: short protein forms M544R.
Identifiers: ClinVar variation 2021963 (VCV002021963.4), dbSNP rs2465277140, ClinGen allele CA346479253.
Genomic context (GRCh38, chr2:29,072,631, plus strand): 5'-CAGTCCTGGTGCCCACAGGGCACAGGGACAAACTTGATCCTTTCGCTGATTGACTCCTTC[A>C]TCTTCAGAATCATTTCCTGGGCCTGGAGGCTCCTAAGCCTCCTGGTGCGGGCCTGAAATG-3'
Protein context (NP_001025054.1, residues 534-554): SLQAQEMILK[Met544Arg]KESISERIKF